The following is an entry in ClinVar:

ClinVar aggregate classification (germline): Uncertain significance (1 of 4 stars; one submission).

Conditions:
TRIP12-related disorder. Also called: TRIP12-related condition.

gnomAD v4.1: 1 of 1,614,202 alleles (0.000062%); highest among the groups gnomAD compares: South Asian, 0.0011%; no homozygotes.

Submission:

PreventionGenetics, part of Exact Sciences
Classification: Uncertain significance for TRIP12-related condition. Last evaluated: 2024-12-29. Review status: criteria provided, single submitter. Criteria: ACMG Guidelines, 2015. Collection method: clinical testing. Allele origin: germline.
Comment: The TRIP12 c.554G>C variant is predicted to result in the amino acid substitution p.Gly185Ala. To our knowledge, this variant has not been reported in the literature or in a large population database (gnomAD), indicating this variant is rare. At this time, the clinical significance of this variant is uncertain due to the absence of conclusive functional and genetic evidence.

NM_001348323.3(TRIP12):c.554G>C (p.Gly185Ala)

Gene: TRIP12 (thyroid hormone receptor interactor 12; minus strand). Cytogenetic location: 2q36.3.
Variant type: single nucleotide variant.
Coding change: c.554G>C on transcript NM_001348323.3 (MANE Select); coding-DNA position 554, G replaced by C.
Protein change: p.Gly185Ala; replaces glycine 185 with alanine.
Molecular consequence: missense variant. On other transcripts: intron variant (1).
Genome position (GRCh38, 1-based): chr2:229,859,245, C>G on the plus strand (G>C on the coding strand, the complement: TRIP12 is on the minus strand). VCF-style: chr2-229859245-C-G. GRCh37 (hg19) VCF-style: chr2-230723961-C-G.
Other names: c.554G>C, p.Gly185Ala (NM_001284214.2, NM_001348315.2, NM_001348319.1 and 15 more transcripts); c.428G>C, p.Gly143Ala (NM_001284215.2, NM_001348316.2, NM_001348317.1 and 3 more transcripts); c.98+20737G>C (NM_001284216.2); short protein forms G143A, G185A.
Identifiers: ClinVar variation 4997638 (VCV004997638.1).